The following is an entry in ClinVar:

NM_000059.4(BRCA2):c.9049_9060del (p.3015KS[1])

Gene: BRCA2 (BRCA2 DNA repair associated; plus strand). Cytogenetic location: 13q13.1.
Variant type: Deletion.
Coding change: c.9049_9060del on transcript NM_000059.4 (MANE Select); coding-DNA positions 9049 to 9060, 12 bases deleted (AAAAGTAAATCT).
Protein change: p.3015KS[1].
Molecular consequence: inframe deletion.
Genome position (GRCh38, 1-based): chr13:32,379,845-32,379,856, AAAAGTAAATCT deleted; deleting any 12 consecutive bases within chr13:32,379,839-32,379,856 gives the same sequence; the c. name uses the placement nearest the transcript's 3' end. VCF-style (leftmost placement, unchanged base first): chr13-32379838-AAAATCTAAAAGT-A. GRCh37 (hg19) VCF-style: chr13-32953975-AAAATCTAAAAGT-A.
Identifiers: ClinVar variation 1508369 (VCV001508369.6), dbSNP rs2137623003, ClinGen allele CA2573149235.

ClinVar aggregate classification (germline): Uncertain significance (1 of 4 stars; one submission).

Conditions:
Hereditary breast ovarian cancer syndrome. Also called: BRCA1- and BRCA2-Associated Hereditary Breast and Ovarian Cancer; Hereditary breast and ovarian cancer; Hereditary breast and/or ovarian cancer syndrome; Hereditary breast and ovarian cancer syndrome (HBOC); Breast and ovarian cancer; Hereditary breast and ovarian cancer syndrome. Identifiers: Orphanet 145, MedGen C0677776, MeSH D061325, MONDO:0003582. Disease mechanism: loss of function.

Submission:

Labcorp Genetics (formerly Invitae), Labcorp
Classification: Uncertain significance for Hereditary breast ovarian cancer syndrome. Last evaluated: 2021-07-28. Review status: criteria provided, single submitter. Criteria: Invitae Variant Classification Sherloc (09022015). Collection method: clinical testing. Allele origin: germline.
Comment: In summary, the available evidence is currently insufficient to determine the role of this variant in disease. Therefore, it has been classified as a Variant of Uncertain Significance. Experimental studies and prediction algorithms are not available or were not evaluated, and the functional significance of this variant is currently unknown. This variant has not been reported in the literature in individuals affected with BRCA2-related conditions. This variant is not present in population databases (ExAC no frequency). This variant, c.9049_9060del, results in the deletion of 4 amino acid(s) of the BRCA2 protein (p.Lys3017_Ser3020del), but otherwise preserves the integrity of the reading frame.